The following is an entry in ClinVar:

ClinVar aggregate classification (germline): Conflicting classifications of pathogenicity. Review status: criteria provided, conflicting classifications (1 of 4 stars). 12 submissions from 12 submitters: Uncertain significance (3); Likely benign (3). 6 of the submissions do not count toward it. Last evaluated 2026-06-01.

Conditions:
SH2B3-related disorder. Also called: SH2B3-related condition.
Hereditary cancer. Identifiers: MedGen C1333600.
Primary myelofibrosis. Also called: Myelofibrosis, somatic. Identifiers: Orphanet 824, MedGen C0001815, MeSH D055728, MONDO:0009692, OMIM 254450.
Hepatoblastoma. Identifiers: Orphanet 449, MedGen C0206624, MONDO:0018666, HP:0002884.
Thrombocythemia 1 (THCYT1). Also called: THROMBOCYTHEMIA, SOMATIC; THROMBOCYTOSIS 1. Identifiers: MedGen C3277671, MONDO:0008554, OMIM 187950.

Allele frequency attached by ClinVar (database versions not stated): ESP Exome Variant Server 0.00051; gnomAD 0.00066 and 0.00073; 1000 Genomes Project 30x 0.00078; TOPMed 0.00089; ExAC 0.00099; gnomAD exomes 0.00109.

Submissions (12):

CeGaT Center for Human Genetics Tuebingen
Classification: Uncertain significance. Last evaluated: 2026-06-01. Review status: criteria provided, single submitter. Criteria: CeGaT Center For Human Genetics Tuebingen Variant Classification Criteria Version 2. Collection method: clinical testing. Allele origin: germline. Affected: yes. Observed: 4 variant alleles.

PreventionGenetics, part of Exact Sciences
Classification: Uncertain significance for SH2B3-related condition. Last evaluated: 2026-01-15. Review status: criteria provided, single submitter. Criteria: ACMG Guidelines, 2015. Collection method: clinical testing. Allele origin: germline.
Comment: The SH2B3 c.622G>C variant is predicted to result in the amino acid substitution p.Glu208Gln. This variant has been reported in the heterozygous state in patients with primary erythrocytosis (Camps et al. 2016. PubMed ID: 27651169), myeloproliferative neoplasms (Clemens Böckelmann et. 2021. PubMed ID: 32554556; Loscocco et al. 2016. PubMed ID: 27237057), and mesothelioma (Table S2A, Huang. 2018. PubMed ID: 29625052). In both the Clemens Böckelmann and Loscocco et al. studies, the authors found that their patients also had a second variant in a "driver" gene such as NFE2 (Clemens Böckelmann et. 2021. PubMed ID: 32554556), JAK2 and CALR (Loscocco et al. 2016. PubMed ID: 27237057). In the family reported in Loscocco et al. unaffected members carried the p.Glu208Gln variant but lacked the driver variant. A functional analysis of the p.Glu208Gln variant showed that it retained near-complete inhibitory capacity similar to wild type SH2B3 (Oh et al. 2010. PubMed ID: 20404132) and further supports the hypothesis that an additional driver variant is needed for phenotypic expression. In gnomAD v4 (available only on GRCh38), this variant is reported in 1.8% of alleles in a subpopulation, including two homozygotes. This population data is not consistent with this variant being a primary cause of disease. Although we suspect that this variant may be benign, at this time, the clinical significance of this variant is uncertain due to the absence of conclusive functional and genetic evidence.

Mendelics
Classification: Likely benign for Hereditary cancer. Last evaluated: 2024-09-11. Review status: criteria provided, single submitter. Criteria: ACMG Guidelines, 2015. Collection method: clinical testing. Allele origin: unknown.
Comment: This variant is considered likely benign or benign based on one or more of the following: it is predicted to be benign by multiple in silico algorithms, and/or has population frequency not consistent with disease, and/or has normal protein function, and/or has lack of segregation with disease, and/or has been detected in co-occurrence with known pathogenic variant, and/or has lack of disease association in case-control studies, and/or is located in a region inconsistent with a known cause of pathogenicity.

KCCC/NGS Laboratory, Kuwait Cancer Control Center
Classification: Likely benign for Thrombocythemia 1. Last evaluated: 2023-05-10. Review status: criteria provided, single submitter. Criteria: ACMG Guidelines, 2015. Collection method: clinical testing. Allele origin: germline. Inheritance: Autosomal dominant inheritance.

Revvity Omics, Revvity
Classification: Uncertain significance. Last evaluated: 2021-11-05. Review status: criteria provided, single submitter. Criteria: ACMG Guidelines, 2015. Collection method: clinical testing. Allele origin: germline.

Genetics and Molecular Pathology, SA Pathology
Classification: Likely benign for Primary myelofibrosis. Last evaluated: 2021-08-27. Review status: criteria provided, single submitter. Criteria: ACMG Guidelines, 2015. Collection method: clinical testing. Allele origin: germline. Affected: yes.
Comment: BS1-supp, PP3

OMIM
Classification: Pathogenic for THROMBOCYTHEMIA, SOMATIC. Last evaluated: 2010-08-12. Review status: no assertion criteria provided. Collection method: literature only. Allele origin: somatic. Not counted in ClinVar's aggregate classification.

Clinical Genetics DNA and cytogenetics Diagnostics Lab, Erasmus MC, Erasmus Medical Center
Classification: Uncertain significance. Review status: no assertion criteria provided. Collection method: clinical testing. Allele origin: germline. Affected: yes. Study: VKGL Data-share Consensus. Not counted in ClinVar's aggregate classification.

Diagnostic Laboratory, Department of Genetics, University Medical Center Groningen
Classification: Uncertain significance. Review status: no assertion criteria provided. Collection method: clinical testing. Allele origin: germline. Affected: yes. Study: VKGL Data-share Consensus. Not counted in ClinVar's aggregate classification.

Joint Genome Diagnostic Labs from Nijmegen and Maastricht, Radboudumc and MUMC+
Classification: Uncertain significance. Review status: no assertion criteria provided. Collection method: clinical testing. Allele origin: germline. Affected: yes. Study: VKGL Data-share Consensus. Not counted in ClinVar's aggregate classification.

Laboratory of Diagnostic Genome Analysis, Leiden University Medical Center (LUMC)
Classification: Uncertain significance. Review status: no assertion criteria provided. Collection method: clinical testing. Allele origin: germline. Affected: yes. Study: VKGL Data-share Consensus. Not counted in ClinVar's aggregate classification.

Molecular Oncology -  Human Genetics Lab, University of Sao Paulo
Classification: Uncertain significance for Hepatoblastoma. Review status: no assertion criteria provided. Collection method: research. Allele origin: germline. Affected: yes. Not counted in ClinVar's aggregate classification.

Literature cited by the submitters: PubMed 20404132 (cited by OMIM).

NM_005475.3(SH2B3):c.622G>C (p.Glu208Gln)

Gene: SH2B3 (SH2B adaptor protein 3; plus strand). Cytogenetic location: 12q24.12.
Variant type: single nucleotide variant.
Coding change: c.622G>C on transcript NM_005475.3 (MANE Select); coding-DNA position 622, G replaced by C.
Protein change: p.Glu208Gln; replaces glutamic acid 208 with glutamine.
Molecular consequence: missense variant.
Genome position (GRCh38, 1-based): chr12:111,418,767, G>C. VCF-style: chr12-111418767-G-C. GRCh37 (hg19) VCF-style: chr12-111856571-G-C.
Other names: short protein forms E208Q.
Identifiers: ClinVar variation 30445 (VCV000030445.33), dbSNP rs202080221, ClinGen allele CA129205.